The following is an entry in ClinVar:

NM_000395.3(CSF2RB):c.1570G>A (p.Val524Met)

Gene: CSF2RB (colony stimulating factor 2 receptor subunit beta; plus strand). Cytogenetic location: 22q12.3.
Variant type: single nucleotide variant.
Coding change: c.1570G>A on transcript NM_000395.3 (MANE Select); coding-DNA position 1570, G replaced by A.
Protein change: p.Val524Met; replaces valine 524 with methionine.
Molecular consequence: missense variant.
Genome position (GRCh38, 1-based): chr22:36,937,378, G>A. VCF-style: chr22-36937378-G-A. GRCh37 (hg19) VCF-style: chr22-37333420-G-A.
Other names: c.1588G>A, p.Val530Met (NM_001410827.1); short protein forms V530M, V524M.
Identifiers: ClinVar variation 1942939 (VCV001942939.5), dbSNP rs202130873, ClinGen allele CA411409735.

ClinVar aggregate classification (germline): Uncertain significance (1 of 4 stars; one submission).

Submission:

Labcorp Genetics (formerly Invitae), Labcorp
Classification: Uncertain significance. Last evaluated: 2022-03-01. Review status: criteria provided, single submitter. Criteria: Invitae Variant Classification Sherloc (09022015). Collection method: clinical testing. Allele origin: germline.
Comment: This sequence change replaces valine, which is neutral and non-polar, with methionine, which is neutral and non-polar, at codon 524 of the CSF2RB protein (p.Val524Met). This variant is not present in population databases (gnomAD no frequency). This variant has not been reported in the literature in individuals affected with CSF2RB-related conditions. Algorithms developed to predict the effect of missense changes on protein structure and function output the following: SIFT: "Tolerated"; PolyPhen-2: "Benign"; Align-GVGD: "Class C0". The methionine amino acid residue is found in multiple mammalian species, which suggests that this missense change does not adversely affect protein function. In summary, the available evidence is currently insufficient to determine the role of this variant in disease. Therefore, it has been classified as a Variant of Uncertain Significance.